The following is an entry in ClinVar:

ClinVar aggregate classification (germline): Conflicting classifications of pathogenicity. Review status: criteria provided, conflicting classifications (1 of 4 stars). 4 submissions from 4 submitters: Uncertain significance (3); Benign (1). Last evaluated 2024-11-22.

Conditions:
Inborn genetic diseases. Identifiers: MedGen C0950123, MeSH D030342.
TTBK2-related disorder. Also called: TTBK2-related condition.

Allele frequency attached by ClinVar (database versions not stated): ExAC 0.00007; gnomAD 0.00021; ESP Exome Variant Server 0.00025; TOPMed 0.00028.
gnomAD v4.1: 79 of 1,614,004 alleles (0.0049%); highest among the groups gnomAD compares: African/African-American, 0.077%; no homozygotes.

Submissions (4):

Athena Diagnostics
Classification: Benign. Last evaluated: 2024-11-22. Review status: criteria provided, single submitter. Criteria: Athena Diagnostics Criteria. Collection method: clinical testing. Allele origin: unknown.

Labcorp Genetics (formerly Invitae), Labcorp
Classification: Uncertain significance. Last evaluated: 2024-10-25. Review status: criteria provided, single submitter. Criteria: Invitae Variant Classification Sherloc (09022015). Collection method: clinical testing. Allele origin: germline.
Comment: This sequence change replaces arginine, which is basic and polar, with histidine, which is basic and polar, at codon 376 of the TTBK2 protein (p.Arg376His). This variant is present in population databases (rs368815985, gnomAD 0.07%), and has an allele count higher than expected for a pathogenic variant. This variant has not been reported in the literature in individuals affected with TTBK2-related conditions. ClinVar contains an entry for this variant (Variation ID: 2634569). Invitae Evidence Modeling of protein sequence and biophysical properties (such as structural, functional, and spatial information, amino acid conservation, physicochemical variation, residue mobility, and thermodynamic stability) indicates that this missense variant is not expected to disrupt TTBK2 protein function with a negative predictive value of 80%. In summary, the available evidence is currently insufficient to determine the role of this variant in disease. Therefore, it has been classified as a Variant of Uncertain Significance.

PreventionGenetics, part of Exact Sciences
Classification: Uncertain significance for TTBK2-related condition. Last evaluated: 2022-12-20. Review status: criteria provided, single submitter. Criteria: ACMG Guidelines, 2015. Collection method: clinical testing. Allele origin: germline.
Comment: The TTBK2 c.1127G>A variant is predicted to result in the amino acid substitution p.Arg376His. To our knowledge, this variant has not been reported in the literature. This variant is reported in 0.070% of alleles in individuals of African descent in gnomAD. although we suspect that this variant may be benign, at this time, the clinical significance of this variant is uncertain due to the absence of conclusive functional and genetic evidence.

Ambry Genetics
Classification: Uncertain significance for Inborn genetic diseases. Last evaluated: 2022-06-27. Review status: criteria provided, single submitter. Criteria: Ambry Variant Classification Scheme 2023. Collection method: clinical testing. Allele origin: germline.

NM_173500.4(TTBK2):c.1127G>A (p.Arg376His)

Gene: TTBK2 (tau tubulin kinase 2; minus strand). Cytogenetic location: 15q15.2.
Variant type: single nucleotide variant.
Coding change: c.1127G>A on transcript NM_173500.4 (MANE Select); coding-DNA position 1127, G replaced by A.
Protein change: p.Arg376His; replaces arginine 376 with histidine.
Molecular consequence: missense variant.
Genome position (GRCh38, 1-based): chr15:42,783,489, C>T on the plus strand (G>A on the coding strand, the complement: TTBK2 is on the minus strand). VCF-style: chr15-42783489-C-T. GRCh37 (hg19) VCF-style: chr15-43075687-C-T.
Other names: short protein forms R376H.
Identifiers: ClinVar variation 2634569 (VCV002634569.6), dbSNP rs368815985, ClinGen allele CA7516962.